The following is an entry in ClinVar:

NM_001148.6(ANK2):c.5497C>T (p.Leu1833Phe)

Genes: ANK2 (ankyrin 2; plus strand), LOC126807136 (MED14-independent group 3 enhancer GRCh37_chr4:114274931-114276130; plus strand). Cytogenetic location: 4q26.
Variant type: single nucleotide variant.
Coding change: c.5497C>T on transcript NM_001148.6 (MANE Select); coding-DNA position 5497, C replaced by T.
Protein change: p.Leu1833Phe; replaces leucine 1833 with phenylalanine.
Molecular consequence: missense variant. On other transcripts: intron variant (68).
Genome position (GRCh38, 1-based): chr4:113,354,115, C>T. VCF-style: chr4-113354115-C-T. GRCh37 (hg19) VCF-style: chr4-114275271-C-T.
Other names: c.5263C>T, p.Leu1755Phe (NM_001386142.1); c.1897C>T, p.Leu633Phe (NM_001386166.1); c.5638C>T, p.Leu1880Phe (NM_001386174.1); c.5614C>T, p.Leu1872Phe (NM_001386175.1); c.4411+3866C>T (NM_001386186.2, NM_001386148.2); c.4213+3866C>T (NM_001354269.3); c.4291+3866C>T (NM_001386187.2); c.4252+3866C>T (NM_001386147.1); and 35 more; short protein forms L1755F, L1833F, L1872F, L1880F, L633F.
Identifiers: ClinVar variation 1025549 (VCV001025549.7), dbSNP rs1194139877, ClinGen allele CA357919924.

ClinVar aggregate classification (germline): Conflicting classifications of pathogenicity. Review status: criteria provided, conflicting classifications (1 of 4 stars). 2 submissions from 2 submitters: Uncertain significance (1); Likely benign (1). Last evaluated 2025-10-16.

Conditions:
Cardiovascular phenotype. Identifiers: MedGen CN230736.
Long QT syndrome (LQTS). Identifiers: MedGen C0023976, MeSH D008133, MONDO:0002442. Disease mechanism: loss of function. Inheritance: Various modes of inheritance.

Allele frequency attached by ClinVar (database versions not stated): gnomAD exomes below 0.00001; TOPMed 0.00001.
gnomAD v4.1: 1 of 1,614,056 alleles (0.000062%); highest among the groups gnomAD compares: African/African-American, 0.0013%; no homozygotes.

Submissions (2):

Labcorp Genetics (formerly Invitae), Labcorp
Classification: Uncertain significance for Long QT syndrome. Last evaluated: 2025-10-16. Review status: criteria provided, single submitter. Criteria: Invitae Variant Classification Sherloc (09022015). Collection method: clinical testing. Allele origin: germline.
Comment: This sequence change replaces leucine, which is neutral and non-polar, with phenylalanine, which is neutral and non-polar, at codon 1833 of the ANK2 protein (p.Leu1833Phe). This variant is present in population databases (no rsID available, gnomAD 0.004%). This variant has not been reported in the literature in individuals affected with ANK2-related conditions. ClinVar contains an entry for this variant (Variation ID: 1025549). An algorithm developed to predict the effect of missense changes on protein structure and function (PolyPhen-2) suggests that this variant is likely to be tolerated. In summary, the available evidence is currently insufficient to determine the role of this variant in disease. Therefore, it has been classified as a Variant of Uncertain Significance.

Ambry Genetics
Classification: Likely benign for Cardiovascular phenotype. Last evaluated: 2020-11-24. Review status: criteria provided, single submitter. Criteria: Ambry Variant Classification Scheme 2023. Collection method: clinical testing. Allele origin: germline.